The following is an entry in ClinVar:

NM_001114753.3(ENG):c.1742-15G>A

Genes: ENG (endoglin; minus strand), LOC102723566 (uncharacterized LOC102723566; plus strand). Cytogenetic location: 9q34.11.
Variant type: single nucleotide variant.
Coding change: c.1742-15G>A on transcript NM_001114753.3 (MANE Select); 15 bases into the intron before coding-DNA position 1742, G replaced by A.
Molecular consequence: intron variant. On other transcripts: non-coding transcript variant (1).
Genome position (GRCh38, 1-based): chr9:127,816,068, C>T on the plus strand (G>A on the coding strand, the complement: ENG is on the minus strand). VCF-style: chr9-127816068-C-T. GRCh37 (hg19) VCF-style: chr9-130578347-C-T.
Other names: c.1742-15G>A (NM_000118.4); c.1196-15G>A (NM_001278138.2).
Identifiers: ClinVar variation 504728 (VCV000504728.13), dbSNP rs201678228, ClinGen allele CA5252644.

ClinVar aggregate classification (germline): Conflicting classifications of pathogenicity. Review status: criteria provided, conflicting classifications (1 of 4 stars). 2 submissions from 2 submitters: Uncertain significance (1); Likely benign (1). Last evaluated 2025-12-19.

Conditions:
Hereditary hemorrhagic telangiectasia (HHT). Also called: Osler hemorrhagic telangiectasia syndrome; ORW DISEASE; Osler Weber Rendu syndrome; OSLER-RENDU-WEBER DISEASE. Identifiers: Orphanet 774, MedGen C0039445, MONDO:0019180. Disease mechanism: loss of function.

Allele frequency attached by ClinVar (database versions not stated): gnomAD exomes 0.00008 and 0.00005; 1000 Genomes Project 30x 0.00047; gnomAD 0.00004 and 0.00006; 1000 Genomes Project 0.00060; TOPMed 0.00006; ExAC 0.00007.
gnomAD v4.1: 122 of 1,605,684 alleles (0.0076%); highest among the groups gnomAD compares: East Asian, 0.23%; no homozygotes.

Submissions (2):

Labcorp Genetics (formerly Invitae), Labcorp
Classification: Likely benign for Hereditary hemorrhagic telangiectasia. Last evaluated: 2025-12-19. Review status: criteria provided, single submitter. Criteria: Invitae Variant Classification Sherloc (09022015). Collection method: clinical testing. Allele origin: germline.

Laboratory for Molecular Medicine, Mass General Brigham Personalized Medicine
Classification: Uncertain significance. Last evaluated: 2017-09-29. Review status: criteria provided, single submitter. Criteria: LMM Criteria. Collection method: clinical testing. Allele origin: germline. Observed: 1 variant allele.
Comment: Variant classified as Uncertain Significance - Favor Benign. The c.1742-15G>A va riant in ENG has not been previously reported in individuals with pulmonary hype rtension, but has been identified in 8/18138 East Asian chromosomes by the Genom e Aggregation Database (gnomAD; dbSNP rs201678 228). This variant is located in the 3' splice region. Computational tools do no t suggest an impact to splicing. However, this information is not predictive eno ugh to rule out pathogenicity. In summary, while the clinical significance of th e c.1742-15G>A variant is uncertain, these data suggest that it is more likely t o be benign. ACMG/AMP Criteria applied: BP4 (Richards 2015).